The following is an entry in ClinVar:

NM_000329.3(RPE65):c.1502A>G (p.Tyr501Cys)

Gene: RPE65 (retinoid isomerohydrolase RPE65; minus strand). Cytogenetic location: 1p31.3.
Variant type: single nucleotide variant.
Coding change: c.1502A>G on transcript NM_000329.3 (MANE Select); coding-DNA position 1502, A replaced by G.
Protein change: p.Tyr501Cys; replaces tyrosine 501 with cysteine.
Molecular consequence: missense variant.
Genome position (GRCh38, 1-based): chr1:68,429,876, T>C on the plus strand (A>G on the coding strand, the complement: RPE65 is on the minus strand). VCF-style: chr1-68429876-T-C. GRCh37 (hg19) VCF-style: chr1-68895559-T-C.
Other names: c.1394A>G, p.Tyr465Cys (NM_001406853.1); c.1226A>G, p.Tyr409Cys (NM_001406856.1, NM_001406857.1); short protein forms Y465C, Y501C, Y409C.
Identifiers: ClinVar variation 4783212 (VCV004783212.1).

ClinVar aggregate classification (germline): Uncertain significance (1 of 4 stars; one submission).

Conditions:
Leber congenital amaurosis 2 (LCA2). Also called: AMAUROSIS CONGENITA OF LEBER II; Autosomal Recessive RPE65-Related Retinal Degeneration. Identifiers: Orphanet 65, MedGen C1859844, MONDO:0008765, OMIM 204100. Disease mechanism: loss of function.
Retinitis pigmentosa 20 (RP20). Identifiers: Orphanet 791, MedGen C3151086, MONDO:0013425, OMIM 613794.

gnomAD v4.1: 1 of 1,613,918 alleles (0.000062%); highest among the groups gnomAD compares: South Asian, 0.0011%; no homozygotes.

Submission:

Labcorp Genetics (formerly Invitae), Labcorp
Classification: Uncertain significance for Leber congenital amaurosis 2; Retinitis pigmentosa 20. Last evaluated: 2025-12-20. Review status: criteria provided, single submitter. Criteria: Invitae Variant Classification Sherloc (09022015). Collection method: clinical testing. Allele origin: germline.
Comment: This sequence change replaces tyrosine, which is neutral and polar, with cysteine, which is neutral and slightly polar, at codon 501 of the RPE65 protein (p.Tyr501Cys). This variant is not present in population databases (gnomAD no frequency). This variant has not been reported in the literature in individuals affected with RPE65-related conditions. Invitae Evidence Modeling of protein sequence and biophysical properties (such as structural, functional, and spatial information, amino acid conservation, physicochemical variation, residue mobility, and thermodynamic stability) indicates that this missense variant is not expected to disrupt RPE65 protein function with a negative predictive value of 80%. In summary, the available evidence is currently insufficient to determine the role of this variant in disease. Therefore, it has been classified as a Variant of Uncertain Significance.